The following is an entry in ClinVar:

NM_001080467.3(MYO5B):c.2411G>A (p.Arg804His)

Gene: MYO5B (myosin VB; minus strand). Cytogenetic location: 18q21.1.
Variant type: single nucleotide variant.
Coding change: c.2411G>A on transcript NM_001080467.3 (MANE Select); coding-DNA position 2411, G replaced by A.
Protein change: p.Arg804His; replaces arginine 804 with histidine.
Molecular consequence: missense variant.
Genome position (GRCh38, 1-based): chr18:49,906,422, C>T on the plus strand (G>A on the coding strand, the complement: MYO5B is on the minus strand). VCF-style: chr18-49906422-C-T. GRCh37 (hg19) VCF-style: chr18-47432792-C-T.
Other names: short protein forms R804H.
Identifiers: ClinVar variation 889795 (VCV000889795.7), dbSNP rs767203225, ClinGen allele CA8961106.

ClinVar aggregate classification (germline): Uncertain significance. Review status: criteria provided, multiple submitters, no conflicts (2 of 4 stars). 3 submissions from 3 submitters: Uncertain significance (2). 1 of the submissions does not count toward it. Last evaluated 2022-08-19.

Conditions:
MYO5B-related disorder. Also called: MYO5B-related condition.
Congenital microvillous atrophy (DIAR2). Also called: MICROVILLUS ATROPHY, CONGENITAL; Microvillus inclusion disease; DAVIDSON DISEASE; CONGENITAL FAMILIAL PROTRACTED DIARRHEA WITH ENTEROCYTE BRUSH-BORDER ABNORMALITIES; Diarrhea 2 with microvillus atrophy, with or without cholestasis. Identifiers: Orphanet 2290, MedGen C0341306, MONDO:0009635, OMIM 251850.

Allele frequency attached by ClinVar (database versions not stated): ExAC 0.00004; TOPMed 0.00008.
gnomAD v4.1: 205 of 1,613,826 alleles (0.013%); highest among the groups gnomAD compares: Middle Eastern, 0.016%; no homozygotes.

Submissions (3):

Labcorp Genetics (formerly Invitae), Labcorp
Classification: Uncertain significance. Last evaluated: 2022-08-19. Review status: criteria provided, single submitter. Criteria: Invitae Variant Classification Sherloc (09022015). Collection method: clinical testing. Allele origin: germline.
Comment: This sequence change replaces arginine, which is basic and polar, with histidine, which is basic and polar, at codon 804 of the MYO5B protein (p.Arg804His). This variant is present in population databases (rs767203225, gnomAD 0.008%). This variant has not been reported in the literature in individuals affected with MYO5B-related conditions. ClinVar contains an entry for this variant (Variation ID: 889795). Algorithms developed to predict the effect of missense changes on protein structure and function are either unavailable or do not agree on the potential impact of this missense change (SIFT: "Deleterious"; PolyPhen-2: "Probably Damaging"; Align-GVGD: "Class C0"). In summary, the available evidence is currently insufficient to determine the role of this variant in disease. Therefore, it has been classified as a Variant of Uncertain Significance.

Illumina Laboratory Services, Illumina
Classification: Uncertain significance for Congenital microvillous atrophy. Last evaluated: 2018-01-13. Review status: criteria provided, single submitter. Criteria: ICSL Variant Classification Criteria 13 December 2019. Collection method: clinical testing. Allele origin: germline.

PreventionGenetics, part of Exact Sciences
Classification: Uncertain significance for MYO5B-related condition. Last evaluated: 2024-07-01. Review status: no assertion criteria provided. Collection method: clinical testing. Allele origin: germline. Not counted in ClinVar's aggregate classification.
Comment: The MYO5B c.2411G>A variant is predicted to result in the amino acid substitution p.Arg804His. To our knowledge, this variant has not been reported in the literature. This variant is reported in 0.0086% of alleles in individuals of European (Non-Finnish) descent in gnomAD. At this time, the clinical significance of this variant is uncertain due to the absence of conclusive functional and genetic evidence.